The following is an entry in ClinVar:

ClinVar aggregate classification (germline): Likely benign (1 of 4 stars; one submission).

Allele frequency attached by ClinVar (database versions not stated): gnomAD exomes below 0.00001; ExAC 0.00001; gnomAD 0.00001.
gnomAD v4.1: 2 of 1,614,130 alleles (0.00012%); highest among the groups gnomAD compares: East Asian, 0.0022%; no homozygotes.

Submission:

CeGaT Center for Human Genetics Tuebingen
Classification: Likely benign. Last evaluated: 2024-06-01. Review status: criteria provided, single submitter. Criteria: CeGaT Center For Human Genetics Tuebingen Variant Classification Criteria Version 2. Collection method: clinical testing. Allele origin: germline. Affected: yes. Observed: 1 variant allele.
Comment: CC2D1A: BP4, BP7

NM_017721.5(CC2D1A):c.2010C>T (p.Pro670=)

Gene: CC2D1A (coiled-coil and C2 domain containing 1A; plus strand). Cytogenetic location: 19p13.12.
Variant type: single nucleotide variant.
Coding change: c.2010C>T on transcript NM_017721.5 (MANE Select); coding-DNA position 2010, C replaced by T.
Protein change: p.Pro670=; no amino-acid change (proline 670 retained).
Molecular consequence: synonymous variant.
Genome position (GRCh38, 1-based): chr19:13,926,586, C>T. VCF-style: chr19-13926586-C-T. GRCh37 (hg19) VCF-style: chr19-14037399-C-T.
Other names: c.2010C>T, p.Pro670= (NM_001411138.1).
Identifiers: ClinVar variation 3250758 (VCV003250758.18), dbSNP rs578202854.